The following is an entry in ClinVar:

NM_024408.4(NOTCH2):c.6338C>T (p.Pro2113Leu)

Gene: NOTCH2 (notch receptor 2; minus strand). Cytogenetic location: 1p12.
Variant type: single nucleotide variant.
Coding change: c.6338C>T on transcript NM_024408.4 (MANE Select); coding-DNA position 6338, C replaced by T.
Protein change: p.Pro2113Leu; replaces proline 2113 with leucine.
Molecular consequence: missense variant.
Genome position (GRCh38, 1-based): chr1:119,916,384, G>A on the plus strand (C>T on the coding strand, the complement: NOTCH2 is on the minus strand). VCF-style: chr1-119916384-G-A. GRCh37 (hg19) VCF-style: chr1-120459007-G-A.
Other names: c.6338C>T (NM_024408.3); short protein forms P2113L.
Identifiers: ClinVar variation 501463 (VCV000501463.13), dbSNP rs767621140, ClinGen allele CA1039442.
Genomic context (GRCh38, chr1:119,916,384, plus strand): 5'-TTCTTCCTCCTACTACCCTTGGCATCCTTTGCCTCCTTGGCAAGGTTAGGGAGGCTAGTA[G>A]GCATGGTACTCTTGGCACTGGGCCGTCTAGACTTCTTGCCCATTGGGGTGTGCTTCAGGC-3'
Protein context (NP_077719.2, residues 2103-2123): SRRPSAKSTM[Pro2113Leu]TSLPNLAKEA

ClinVar aggregate classification (germline): Uncertain significance. Review status: criteria provided, multiple submitters, no conflicts (2 of 4 stars). 5 submissions from 5 submitters: Uncertain significance (5). Last evaluated 2026-01-22.

Conditions:
Alagille syndrome due to a NOTCH2 point mutation. Also called: Alagille syndrome 2. Identifiers: Orphanet 261629, Orphanet 52, MedGen C1857761, MONDO:0012439, OMIM 610205.
Hajdu-Cheney syndrome (HJCYS). Also called: SERPENTINE FIBULA-POLYCYSTIC KIDNEY SYNDROME; Acroosteolysis dominant type; ACROOSTEOLYSIS WITH OSTEOPOROSIS AND CHANGES IN SKULL AND MANDIBLE. Identifiers: Orphanet 955, MedGen C0917715, MONDO:0007057, OMIM 102500.
Inborn genetic diseases. Identifiers: MedGen C0950123, MeSH D030342.

Allele frequency attached by ClinVar (database versions not stated): ExAC 0.00001; gnomAD exomes 0.00001; TOPMed 0.00003; gnomAD 0.00005.
gnomAD v4.1: 15 of 1,614,086 alleles (0.00093%); highest among the groups gnomAD compares: African/African-American, 0.0067%; no homozygotes.

Submissions (5):

GeneDx
Classification: Uncertain significance. Last evaluated: 2026-01-22. Review status: criteria provided, single submitter. Criteria: GeneDx Variant Classification Process June 2021. Collection method: clinical testing. Allele origin: germline.
Comment: In silico analysis suggests that this missense variant does not alter protein structure/function; Has not been previously published as pathogenic or benign to our knowledge

Labcorp Genetics (formerly Invitae), Labcorp
Classification: Uncertain significance for Hajdu-Cheney syndrome. Last evaluated: 2025-07-23. Review status: criteria provided, single submitter. Criteria: Invitae Variant Classification Sherloc (09022015). Collection method: clinical testing. Allele origin: germline.
Comment: This sequence change replaces proline, which is neutral and non-polar, with leucine, which is neutral and non-polar, at codon 2113 of the NOTCH2 protein (p.Pro2113Leu). This variant is present in population databases (rs767621140, gnomAD 0.008%). This variant has not been reported in the literature in individuals affected with NOTCH2-related conditions. ClinVar contains an entry for this variant (Variation ID: 501463). Invitae Evidence Modeling of protein sequence and biophysical properties (such as structural, functional, and spatial information, amino acid conservation, physicochemical variation, residue mobility, and thermodynamic stability) indicates that this missense variant is not expected to disrupt NOTCH2 protein function with a negative predictive value of 80%. In summary, the available evidence is currently insufficient to determine the role of this variant in disease. Therefore, it has been classified as a Variant of Uncertain Significance.

Fulgent Genetics
Classification: Uncertain significance for Hajdu-Cheney syndrome; Alagille syndrome due to a NOTCH2 point mutation. Last evaluated: 2022-01-11. Review status: criteria provided, single submitter. Criteria: ACMG Guidelines, 2015. Collection method: clinical testing. Allele origin: unknown.

Ambry Genetics
Classification: Uncertain significance for Inborn genetic diseases. Last evaluated: 2021-12-07. Review status: criteria provided, single submitter. Criteria: Ambry Variant Classification Scheme 2023. Collection method: clinical testing. Allele origin: germline.

Eurofins Ntd Llc (ga)
Classification: Uncertain significance. Last evaluated: 2017-04-13. Review status: criteria provided, single submitter. Criteria: EGL Classification Definitions 2015. Collection method: clinical testing. Allele origin: germline. Observed: 1 variant allele, 1 heterozygote.